The following is an entry in ClinVar:

ClinVar aggregate classification (germline): Benign. Review status: criteria provided, multiple submitters, no conflicts (2 of 4 stars). 3 submissions from 2 submitters: Benign (3). Last evaluated 2021-05-11.

Conditions:
Autosomal dominant nonsyndromic hearing loss 10. Identifiers: Orphanet 90635, MedGen C1832476, MONDO:0011031, OMIM 601316.
Dilated cardiomyopathy 1J (CMD1J). Also called: CARDIOMYOPATHY, DILATED, WITH SENSORINEURAL HEARING LOSS, AUTOSOMAL DOMINANT. Identifiers: Orphanet 217622, MedGen C1854368, MONDO:0011541, OMIM 605362.

Allele frequency attached by ClinVar (database versions not stated): gnomAD exomes 0.15270; gnomAD 0.23759 and 0.24433; 1000 Genomes Project 0.24042; TOPMed 0.24842; 1000 Genomes Project 30x 0.25141.
gnomAD v4.1: 182,548 of 1,109,224 alleles (16%); highest among the groups gnomAD compares: African/African-American, 49%; 19,136 homozygotes.

Submissions (3):

GeneDx
Classification: Benign. Last evaluated: 2021-05-11. Review status: criteria provided, single submitter. Criteria: GeneDx Variant Classification Process June 2021. Collection method: clinical testing. Allele origin: germline. Affected: yes.

Illumina Laboratory Services, Illumina
Classification: Benign for Autosomal dominant nonsyndromic hearing loss 10. Last evaluated: 2018-01-13. Review status: criteria provided, single submitter. Criteria: ICSL Variant Classification Criteria 13 December 2019. Collection method: clinical testing. Allele origin: germline.
Comment: This variant was observed in the ICSL laboratory as part of a predisposition screen in an ostensibly healthy population. It had not been previously curated by ICSL or reported in the Human Gene Mutation Database (HGMD: prior to June 1st, 2018), and was therefore a candidate for classification through an automated scoring system. Utilizing variant allele frequency, disease prevalence and penetrance estimates, and inheritance mode, an automated score was calculated to assess if this variant is too frequent to cause the disease. Based on the score and internal cut-off values, a variant classified as benign is not then subjected to further curation. The score for this variant resulted in a classification of benign for this disease.

Illumina Laboratory Services, Illumina
Classification: Benign for Dilated cardiomyopathy 1J. Last evaluated: 2018-01-13. Review status: criteria provided, single submitter. Criteria: ICSL Variant Classification Criteria 13 December 2019. Collection method: clinical testing. Allele origin: germline.
Comment: the same text as in the submission from Illumina Laboratory Services, Illumina above.

NM_004100.5(EYA4):c.*2108A>G

Genes: EYA4 (EYA transcriptional coactivator and phosphatase 4; plus strand), TARID (TCF21 antisense RNA inducing promoter demethylation; minus strand). Cytogenetic location: 6q23.2.
Variant type: single nucleotide variant.
Coding change: c.*2108A>G on transcript NM_004100.5 (MANE Select); 2108 bases downstream of the stop codon, A replaced by G.
Molecular consequence: 3 prime UTR variant.
Genome position (GRCh38, 1-based): chr6:133,530,913, A>G. VCF-style: chr6-133530913-A-G. GRCh37 (hg19) VCF-style: chr6-133852051-A-G.
Other names: c.*2108A>G (NM_001301012.2, NM_001301013.2, NM_001370458.1 and 3 more transcripts).
Identifiers: ClinVar variation 355463 (VCV000355463.8), dbSNP rs17053541, ClinGen allele CA10625833.